The following is an entry in ClinVar:

NM_002769.5(PRSS1):c.734C>T (p.Ala245Val)

Genes: TRB (T cell receptor beta locus; plus strand), PRSS1 (serine protease 1; plus strand). Cytogenetic location: 7q34.
Variant type: single nucleotide variant.
Coding change: c.734C>T on transcript NM_002769.5 (MANE Select); coding-DNA position 734, C replaced by T.
Protein change: p.Ala245Val; replaces alanine 245 with valine.
Molecular consequence: missense variant.
Genome position (GRCh38, 1-based): chr7:142,753,010, C>T. VCF-style: chr7-142753010-C-T. GRCh37 (hg19) VCF-style: chr7-142460861-C-T.
Other names: short protein forms A245V.
Identifiers: ClinVar variation 1005566 (VCV001005566.10), dbSNP rs1798882939, ClinGen allele CA369611126.

ClinVar aggregate classification (germline): Uncertain significance. Review status: criteria provided, multiple submitters, no conflicts (2 of 4 stars). 2 submissions from 2 submitters: Uncertain significance (2). Last evaluated 2023-10-15.

Conditions:
Hereditary pancreatitis (PCTT). Also called: Hereditary chronic pancreatitis; PRSS1-Related Hereditary Pancreatitis. Identifiers: Orphanet 676, MedGen C0238339, MONDO:0008185, OMIM 167800.

gnomAD v4.1: 3 of 1,613,474 alleles (0.00019%); highest among the groups gnomAD compares: Non-Finnish European, 0.00025%; no homozygotes.

Submissions (2):

Ambry Genetics
Classification: Uncertain significance for Hereditary pancreatitis. Last evaluated: 2023-10-15. Review status: criteria provided, single submitter. Criteria: Ambry Variant Classification Scheme 2023. Collection method: clinical testing. Allele origin: germline.
Comment: The p.A245V variant (also known as c.734C>T), located in coding exon 5 of the PRSS1 gene, results from a C to T substitution at nucleotide position 734. The alanine at codon 245 is replaced by valine, an amino acid with similar properties. This amino acid position is not well conserved in available vertebrate species. In addition, the in silico prediction for this alteration is inconclusive. Since supporting evidence is limited at this time, the clinical significance of this alteration remains unclear.

Labcorp Genetics (formerly Invitae), Labcorp
Classification: Uncertain significance for Hereditary pancreatitis. Last evaluated: 2022-03-08. Review status: criteria provided, single submitter. Criteria: Invitae Variant Classification Sherloc (09022015). Collection method: clinical testing. Allele origin: germline.
Comment: In summary, the available evidence is currently insufficient to determine the role of this variant in disease. Therefore, it has been classified as a Variant of Uncertain Significance. Algorithms developed to predict the effect of missense changes on protein structure and function (SIFT, PolyPhen-2, Align-GVGD) all suggest that this variant is likely to be tolerated. ClinVar contains an entry for this variant (Variation ID: 1005566). This variant has not been reported in the literature in individuals affected with PRSS1-related conditions. This variant is not present in population databases (gnomAD no frequency). This sequence change replaces alanine, which is neutral and non-polar, with valine, which is neutral and non-polar, at codon 245 of the PRSS1 protein (p.Ala245Val).